The following is an entry in ClinVar:

ClinVar aggregate classification (germline): Pathogenic (1 of 4 stars; one submission).

Conditions:
Epilepsy. Also called: Seizure disorder. Identifiers: MedGen C0014544, MeSH D004827, MONDO:0005027.

Submission:

Clinical Genetics Laboratory, Skane University Hospital Lund
Classification: Pathogenic for Epilepsy. Last evaluated: 2026-03-16. Review status: criteria provided, single submitter. Criteria: ACMG Guidelines, 2015. Collection method: clinical testing. Allele origin: germline. Inheritance: Autosomal recessive inheritance. Affected: yes.
Comment: ACMG-criteria applied: PVS1, PM2, PM3.

NM_018297.4(NGLY1):c.1583del (p.Phe528fs)

Gene: NGLY1 (N-glycanase 1; minus strand). Cytogenetic location: 3p24.2.
Variant type: Deletion.
Coding change: c.1583del on transcript NM_018297.4 (MANE Select); coding-DNA position 1583, one base deleted (T; older notation c.1583delT).
Protein change: p.Phe528fs; shifts the reading frame from phenylalanine 528.
Molecular consequence: frameshift variant.
Genome position (GRCh38, 1-based): chr3:25,729,161, A deleted on the plus strand (T on the coding strand, the reverse complement: NGLY1 is on the minus strand); the first of 2 consecutive A bases (chr3:25,729,161-25,729,162); deleting either gives the same sequence. VCF-style (leftmost placement, unchanged base first): chr3-25729160-GA-G. GRCh37 (hg19) VCF-style: chr3-25770651-GA-G.
Other names: c.1529del, p.Phe510fs (NM_001145293.2); c.1457del, p.Phe486fs (NM_001145294.2); c.1583del, p.Phe528fs (NM_001145295.2); short protein forms F486fs, F510fs, F528fs.
Identifiers: ClinVar variation 4813329 (VCV004813329.1).